The following is an entry in ClinVar:

NM_001355436.2(SPTB):c.2552A>G (p.Tyr851Cys)

Gene: SPTB (spectrin beta, erythrocytic; minus strand). Cytogenetic location: 14q23.3.
Variant type: single nucleotide variant.
Coding change: c.2552A>G on transcript NM_001355436.2 (MANE Select); coding-DNA position 2552, A replaced by G.
Protein change: p.Tyr851Cys; replaces tyrosine 851 with cysteine.
Molecular consequence: missense variant.
Genome position (GRCh38, 1-based): chr14:64,793,111, T>C on the plus strand (A>G on the coding strand, the complement: SPTB is on the minus strand). VCF-style: chr14-64793111-T-C. GRCh37 (hg19) VCF-style: chr14-65259829-T-C.
Other names: c.2552A>G, p.Tyr851Cys (NM_001024858.4, NM_001355437.2); short protein forms Y851C.
Identifiers: ClinVar variation 3357811 (VCV003357811.2).
Genomic context (GRCh38, chr14:64,793,111, plus strand): 5'-AGCCACTTCTCCTTCTCTCCCATCCACAGCTCACAGGCGTCTGTCTCCCCGAACACCGTG[T>C]ACAGGTCCAGGGCTTCCTGCAGCCTCTGCTGACGCAGGTCCGCCTGGGCCACCACCTGTT-3'
Protein context (NP_001342365.1, residues 841-861): QQRLQEALDL[Tyr851Cys]TVFGETDACE

ClinVar aggregate classification (germline): Uncertain significance. Review status: criteria provided, single submitter (1 of 4 stars). 2 submissions from 2 submitters: Uncertain significance (1). 1 of the submissions does not count toward it. Last evaluated 2024-08-16.

Conditions:
SPTB-related disorder. Also called: SPTB-Related Disorders; SPTB-related condition.

Submissions (2):

Blueprint Genetics
Classification: Uncertain significance. Last evaluated: 2024-08-16. Review status: criteria provided, single submitter. Criteria: ACMG Guidelines, 2015. Collection method: clinical testing. Allele origin: germline.

PreventionGenetics, part of Exact Sciences
Classification: Uncertain significance for SPTB-related condition. Last evaluated: 2024-03-27. Review status: no assertion criteria provided. Collection method: clinical testing. Allele origin: germline. Not counted in ClinVar's aggregate classification.
Comment: The SPTB c.2552A>G variant is predicted to result in the amino acid substitution p.Tyr851Cys. To our knowledge, this variant has not been reported in the literature or in a large population database, indicating this variant is rare. At this time, the clinical significance of this variant is uncertain due to the absence of conclusive functional and genetic evidence.